The following is an entry in ClinVar:

NM_016333.4(SRRM2):c.6687C>T (p.Ala2229=)

Gene: SRRM2 (serine/arginine repetitive matrix 2; plus strand). Cytogenetic location: 16p13.3.
Variant type: single nucleotide variant.
Coding change: c.6687C>T on transcript NM_016333.4 (MANE Select); coding-DNA position 6687, C replaced by T.
Protein change: p.Ala2229=; no amino-acid change (alanine 2229 retained).
Molecular consequence: synonymous variant.
Genome position (GRCh38, 1-based): chr16:2,767,215, C>T. VCF-style: chr16-2767215-C-T. GRCh37 (hg19) VCF-style: chr16-2817216-C-T.
Identifiers: ClinVar variation 2646079 (VCV002646079.25), dbSNP rs141611303, ClinGen allele CA7848866.

ClinVar aggregate classification (germline): Likely benign. Review status: criteria provided, multiple submitters, no conflicts (2 of 4 stars). 2 submissions from 2 submitters: Likely benign (2). Last evaluated 2025-10-01.

Allele frequency attached by ClinVar (database versions not stated): TOPMed 0.00011; gnomAD 0.00013; ExAC 0.00017; ESP Exome Variant Server 0.00023; 1000 Genomes Project 0.00060; 1000 Genomes Project 30x 0.00062.
gnomAD v4.1: 261 of 1,614,204 alleles (0.016%); highest among the groups gnomAD compares: Middle Eastern, 1.1%; 5 homozygotes.

Submissions (2):

CeGaT Center for Human Genetics Tuebingen
Classification: Likely benign. Last evaluated: 2025-10-01. Review status: criteria provided, single submitter. Criteria: CeGaT Center For Human Genetics Tuebingen Variant Classification Criteria Version 2. Collection method: clinical testing. Allele origin: germline. Affected: yes. Observed: 2 variant alleles.
Comment: SRRM2: BP4, BP7

Blueprint Genetics
Classification: Likely benign. Last evaluated: 2024-11-27. Review status: criteria provided, single submitter. Criteria: ACMG Guidelines, 2015. Collection method: clinical testing. Allele origin: germline.